The following is an entry in ClinVar:

ClinVar aggregate classification (germline): Pathogenic. Review status: criteria provided, multiple submitters, no conflicts (2 of 4 stars). 4 submissions from 4 submitters: Pathogenic (3). 1 of the submissions does not count toward it. Last evaluated 2023-02-28.

Conditions:
KCNH2-related disorder. Also called: KCNH2-related condition; KCNH2-related disorders.
Long QT syndrome (LQTS). Identifiers: MedGen C0023976, MeSH D008133, MONDO:0002442. Disease mechanism: loss of function. Inheritance: Various modes of inheritance.
Long QT syndrome 2 (LQT2). Identifiers: Orphanet 101016, Orphanet 768, MedGen C3150943, MONDO:0013367, OMIM 613688.

Submissions (4):

Labcorp Genetics (formerly Invitae), Labcorp
Classification: Pathogenic for Long QT syndrome. Last evaluated: 2023-02-28. Review status: criteria provided, single submitter. Criteria: Invitae Variant Classification Sherloc (09022015). Collection method: clinical testing. Allele origin: germline.
Comment: For these reasons, this variant has been classified as Pathogenic. ClinVar contains an entry for this variant (Variation ID: 200638). This variant has been observed in individual(s) with long QT syndrome (PMID: 7889573). It has also been observed to segregate with disease in related individuals. This variant is not present in population databases (gnomAD no frequency). This variant, c.1498_1524del, results in the deletion of 9 amino acid(s) of the KCNH2 protein (p.Ile500_Phe508del), but otherwise preserves the integrity of the reading frame.

GeneDx
Classification: Pathogenic. Last evaluated: 2022-04-18. Review status: criteria provided, single submitter. Criteria: GeneDx Variant Classification Process June 2021. Collection method: clinical testing. Allele origin: germline. Affected: yes.
Comment: Identified in a family with LQTS in the published literature (Curran et al., 1995); Not observed in large population cohorts (gnomAD); Published functional studies demonstrate a damaging effect as this variant yields a protein unable to form functional potassium channels and results in reduced capacity for potassium transport (Sanguinetti et al., 1996); In-frame deletion of 9 amino acids in a non-repeat region and disrupts the third membrane-spanning domain (S3) of KCNH2, causing loss of normal protein function; In silico analysis supports a deleterious effect on protein structure/function; This variant is associated with the following publications: (PMID: 10690299, 8700910, 7889573)

Blueprint Genetics
Classification: Pathogenic for KCNH2-related disorders. Last evaluated: 2021-08-23. Review status: criteria provided, single submitter. Criteria: ACMG Guidelines, 2015. Collection method: clinical testing. Allele origin: germline. Affected: yes. Observed: 2 variant alleles.

OMIM
Classification: Pathogenic for LONG QT SYNDROME 2. Last evaluated: 1995-03-10. Review status: no assertion criteria provided. Collection method: literature only. Allele origin: germline. Not counted in ClinVar's aggregate classification.

Literature cited by the submitters: PubMed 7889573 (cited by Labcorp Genetics (formerly Invitae), Labcorp and OMIM).

NM_000238.3(KCNH2):c.1498_1524del27 (p.Ile500_Phe508del)

Gene: KCNH2 (potassium voltage-gated channel subfamily H member 2; minus strand). Cytogenetic location: 7q36.1.
Variant type: Deletion.
Coding change: c.1498_1524del27 on transcript NM_000238.3; coding-DNA positions 1498 to 1524, 27 bases deleted (ATCGACATGGTGGCCGCCATCCCCTTC).
Protein change: p.Ile500_Phe508del.
Molecular consequence: inframe deletion (on NM_000238.4). On other transcripts: inframe indel (5).
Genome position (GRCh38, 1-based): chr7:150,952,458-150,952,484, GAAGGGGATGGCGGCCACCATGTCGAT deleted on the plus strand (ATCGACATGGTGGCCGCCATCCCCTTC on the coding strand, the reverse complement: KCNH2 is on the minus strand); deleting any 27 consecutive bases within chr7:150,952,458-150,952,486 gives the same sequence; the c. name uses the placement nearest the transcript's 3' end. VCF-style (leftmost placement, unchanged base first): chr7-150952457-CGAAGGGGATGGCGGCCACCATGTCGAT-C. GRCh37 (hg19) VCF-style: chr7-150649545-CGAAGGGGATGGCGGCCACCATGTCGAT-C.
Other names: c.1498_1524del, p.Ile500_Phe508del (NM_000238.4); c.478_504del, p.Ile160_Phe168del (NM_001204798.2, NM_172057.3); c.1208_1234del27, p.Ile404_Phe412del (NM_001406753.1, NM_001406756.1); c.1319_1345del27, p.Ile441_Phe449del (NM_001406755.1); c.1196_1222del27, p.Ile400_Phe408del (NM_001406757.1); c.1496_1522del27, p.Ile500_Phe508del (NM_172056.3); c.1498_1524delATCGACATGGTGGCCGCCATCCCCTTC (NM_000238.2).
Identifiers: ClinVar variation 200638 (VCV000200638.11), dbSNP rs794728438, ClinGen allele CA004721.
Genomic context (GRCh38, chr7:150,952,457, plus strand): 5'-ACACCACCTGCCTCCTTGCTGACCCCACCTCCTCAGAGCCAGAGCCGAAGATGAGCAGGT[CGAAGGGGATGGCGGCCACCATGTCGAT>C]GAGGAACCAGCCCTTGAAGTAGTGGACGGCGATGCGGCCGGGGTGGCTGACCACCTCCTC-3'